The following is an entry in ClinVar:

ClinVar aggregate classification (germline): Uncertain significance. Review status: criteria provided, multiple submitters, no conflicts (2 of 4 stars). 2 submissions from 2 submitters: Uncertain significance (2). Last evaluated 2024-10-08.

Conditions:
Cataract 6 multiple types. Also called: CATARACT, AGE-RELATED CORTICAL, 2; CATARACT 6, POSTERIOR POLAR; CATARACT 6, CONGENITAL TOTAL. Identifiers: Orphanet 91492, MedGen C1861825, MONDO:0007288, OMIM 116600.

Allele frequency attached by ClinVar (database versions not stated): gnomAD 0.00002.
gnomAD v4.1: 16 of 1,612,072 alleles (0.00099%); highest among the groups gnomAD compares: South Asian, 0.0088%; no homozygotes.

Submissions (2):

Victorian Clinical Genetics Services, Murdoch Childrens Research Institute
Classification: Uncertain significance for Cataract 6 multiple types. Last evaluated: 2024-10-08. Review status: criteria provided, single submitter. Criteria: ACMG Guidelines, 2015. Collection method: clinical testing. Allele origin: germline. Inheritance: Autosomal dominant inheritance. Affected: yes.
Comment: Based on the classification scheme VCGS_Germline_v1.3.4, this variant is classified as VUS-3B. Following criteria are met: 0105 - The mechanism of disease for this gene is not clearly established. Loss of function has been postulated as the most likely mechanism for stop-gain variants based on animal models (PMID:19649315). The mechanism for missense variants remains unclear. (I) 0107 - This gene is associated with autosomal dominant disease. There are also rarer reports of recessive inheritance in consanguineous families (PMID:34638995). (I) 0200 - Variant is predicted to result in a missense amino acid change from valine to methionine. (I) 0252 - This variant is homozygous. (I) 0302 - Variant is present in gnomAD (v3) <0.001 (3 heterozygotes, 0 homozygotes). (SP) 0309 - An alternative amino acid change at the same position has been observed in gnomAD (v2) (2 heterozygotes, 0 homozygotes). (I) 0502 - Missense variant with conflicting in silico predictions and uninformative conservation. (I) 0600 - Variant is located in the annotated Ephrin receptor ligand binding domain (DECIPHER). (I) 0705 - No comparable missense variants have previous evidence for pathogenicity. (I) 0809 - Previous evidence of pathogenicity for this variant is inconclusive. This variant has been previously reported once as a variant of unknown significance (ClinVar). (I) 0905 - No published segregation evidence has been identified for this variant. (I) 1007 - No published functional evidence has been identified for this variant. (I) Legend: (SP) - Supporting pathogenic, (I) - Information, (SB) - Supporting benign

Revvity Omics, Revvity
Classification: Uncertain significance for Cataract 6 multiple types. Last evaluated: 2020-11-13. Review status: criteria provided, single submitter. Criteria: ACMG Guidelines, 2015. Collection method: clinical testing. Allele origin: germline.

Literature cited by the submitters: PubMed 19649315 (cited by Victorian Clinical Genetics Services, Murdoch Childrens Research Institute); PubMed 34638995 (cited by Victorian Clinical Genetics Services, Murdoch Childrens Research Institute).

NM_004431.5(EPHA2):c.508G>A (p.Val170Met)

Gene: EPHA2 (EPH receptor A2; minus strand). Cytogenetic location: 1p36.13.
Variant type: single nucleotide variant.
Coding change: c.508G>A on transcript NM_004431.5 (MANE Select); coding-DNA position 508, G replaced by A.
Protein change: p.Val170Met; replaces valine 170 with methionine.
Molecular consequence: missense variant.
Genome position (GRCh38, 1-based): chr1:16,148,693, C>T on the plus strand (G>A on the coding strand, the complement: EPHA2 is on the minus strand). VCF-style: chr1-16148693-C-T. GRCh37 (hg19) VCF-style: chr1-16475188-C-T.
Other names: c.346G>A, p.Val116Met (NM_001329090.2); c.508G>A (NM_004431.4); short protein forms V116M, V170M.
Identifiers: ClinVar variation 2441270 (VCV002441270.4), dbSNP rs750091839, ClinGen allele CA625502.
Genomic context (GRCh38, chr1:16,148,693, plus strand): 5'-CCACACAGGCACCGATATCCTGGAAGGCCAGGTAGAAGCCTTTGCGGGTGAGCGGCCCCA[C>T]GGAGCGCTCCTCCACGTTCAGCTTCACGTGGCGTGCCTCGAAGTCGCTGCTGACGGTGAT-3'
Protein context (NP_004422.2, residues 160-180): HVKLNVEERS[Val170Met]GPLTRKGFYL